The following is an entry in ClinVar:

NM_004006.3(DMD):c.7400T>A (p.Leu2467Ter)

Gene: DMD (dystrophin; minus strand). Cytogenetic location: Xp21.1.
Variant type: single nucleotide variant.
Coding change: c.7400T>A on transcript NM_004006.3 (MANE Select); coding-DNA position 7400, T replaced by A.
Protein change: p.Leu2467Ter; replaces leucine 2467 with a stop codon.
Molecular consequence: nonsense.
Genome position (GRCh38, 1-based): chrX:31,774,102, A>T on the plus strand (T>A on the coding strand, the complement: DMD is on the minus strand). VCF-style: chrX-31774102-A-T. GRCh37 (hg19) VCF-style: chrX-31792219-A-T.
Other names: c.7376T>A, p.Leu2459Ter (NM_000109.4); c.7388T>A, p.Leu2463Ter (NM_004009.3); c.7031T>A, p.Leu2344Ter (NM_004010.3); c.3377T>A, p.Leu1126Ter (NM_004011.4); c.3368T>A, p.Leu1123Ter (NM_004012.4); c.20T>A, p.Leu7Ter (NM_004013.3, NM_004020.4, NM_004021.3 and 2 more transcripts); short protein forms L2344*, L1123*, L2467*, L1126*, L2459*, L2463*, L7*.
Identifiers: ClinVar variation 639544 (VCV000639544.7), dbSNP rs1254776844, ClinGen allele CA412659011.

ClinVar aggregate classification (germline): Pathogenic (1 of 4 stars; one submission).

Conditions:
Duchenne muscular dystrophy (DMD). Also called: MUSCULAR DYSTROPHY, PSEUDOHYPERTROPHIC PROGRESSIVE, DUCHENNE TYPE; Duchenne Muscular Dystrophy (DMD). Identifiers: Orphanet 98896, MedGen C0013264, MONDO:0010679, OMIM 310200.

Submission:

Labcorp Genetics (formerly Invitae), Labcorp
Classification: Pathogenic for Duchenne muscular dystrophy. Last evaluated: 2025-10-02. Review status: criteria provided, single submitter. Criteria: Invitae Variant Classification Sherloc (09022015). Collection method: clinical testing. Allele origin: germline.
Comment: This sequence change creates a premature translational stop signal (p.Leu2467*) in the DMD gene. It is expected to result in an absent or disrupted protein product. Loss-of-function variants in DMD are known to be pathogenic (PMID: 16770791, 25007885). This variant is not present in population databases (gnomAD no frequency). This variant has not been reported in the literature in individuals affected with DMD-related conditions. ClinVar contains an entry for this variant (Variation ID: 639544). Algorithms developed to predict the effect of sequence changes on RNA splicing suggest that this variant may create or strengthen a splice site. For these reasons, this variant has been classified as Pathogenic.

Literature cited by the submitters: PubMed 16770791; PubMed 25007885.